The following is an entry in ClinVar:

ClinVar aggregate classification (germline): Likely pathogenic (1 of 4 stars; one submission).

Submission:

Labcorp Genetics (formerly Invitae), Labcorp
Classification: Likely pathogenic. Last evaluated: 2025-11-10. Review status: criteria provided, single submitter. Criteria: Invitae Variant Classification Sherloc (09022015). Collection method: clinical testing. Allele origin: germline.
Comment: This sequence change affects an acceptor splice site in intron 2 of the ATR gene. It is expected to disrupt RNA splicing. Variants that disrupt the donor or acceptor splice site typically lead to a loss of protein function (PMID: 16199547), and loss-of-function variants in ATR are known to be pathogenic (PMID: 21228398, 23144622). This variant is not present in population databases (gnomAD no frequency). This variant has not been reported in the literature in individuals affected with ATR-related conditions. Algorithms developed to predict the effect of sequence changes on RNA splicing suggest that this variant may disrupt the consensus splice site. In summary, the currently available evidence indicates that the variant is pathogenic, but additional data are needed to prove that conclusively. Therefore, this variant has been classified as Likely Pathogenic.

Literature cited by the submitters: PubMed 16199547; PubMed 21228398; PubMed 23144622.

NM_001184.4(ATR):c.152-2A>T

Gene: ATR (ATR checkpoint kinase; minus strand). Cytogenetic location: 3q23.
Variant type: single nucleotide variant.
Coding change: c.152-2A>T on transcript NM_001184.4 (MANE Select); the canonical splice acceptor site of the intron before coding-DNA position 152, A replaced by T.
Molecular consequence: splice acceptor variant.
Genome position (GRCh38, 1-based): chr3:142,566,263, T>A on the plus strand (A>T on the coding strand, the complement: ATR is on the minus strand). VCF-style: chr3-142566263-T-A. GRCh37 (hg19) VCF-style: chr3-142285105-T-A.
Other names: c.152-2A>T (NM_001354579.2).
Identifiers: ClinVar variation 4762880 (VCV004762880.1).